The following is an entry in ClinVar:

NM_133478.3(SLC4A5):c.2235C>G (p.Leu745=)

Gene: SLC4A5 (solute carrier family 4 member 5; minus strand). Cytogenetic location: 2p13.1.
Variant type: single nucleotide variant.
Coding change: c.2235C>G on transcript NM_133478.3 (MANE Select); coding-DNA position 2235, C replaced by G.
Protein change: p.Leu745=; no amino-acid change (leucine 745 retained).
Molecular consequence: synonymous variant.
Genome position (GRCh38, 1-based): chr2:74,239,419, G>C on the plus strand (C>G on the coding strand, the complement: SLC4A5 is on the minus strand). VCF-style: chr2-74239419-G-C. GRCh37 (hg19) VCF-style: chr2-74466546-G-C.
Other names: c.1887C>G, p.Leu629= (NM_001386136.1); c.2235C>G, p.Leu745= (NM_021196.3).
Identifiers: ClinVar variation 3389705 (VCV003389705.14).
Genomic context (GRCh38, chr2:74,239,419, plus strand): 5'-TTTGAACTTCTTCAGGGTCAGGGTCATGGAGTATGTCCCAAAGAAAAGGATGAAGGACAT[G>C]AGCGCCAGGTCTGGGATAAACTTGCAGGAATTCCCAAGCAGGCGCCCGCCGTAGCTCAGA-3'
Protein context (NP_597812.1, residues 735-755): NSCKFIPDLA[Leu745=]MSFILFFGTY

ClinVar aggregate classification (germline): Likely benign (1 of 4 stars; one submission).

Submission:

CeGaT Center for Human Genetics Tuebingen
Classification: Likely benign. Last evaluated: 2024-09-01. Review status: criteria provided, single submitter. Criteria: CeGaT Center For Human Genetics Tuebingen Variant Classification Criteria Version 2. Collection method: clinical testing. Allele origin: germline. Affected: yes. Observed: 1 variant allele.
Comment: SLC4A5: PM2:Supporting, BP4, BP7